The following is an entry in ClinVar:

ClinVar aggregate classification (germline): Uncertain significance. Review status: criteria provided, multiple submitters, no conflicts (2 of 4 stars). 3 submissions from 3 submitters: Uncertain significance (3). Last evaluated 2025-10-28.

Conditions:
Hereditary cancer-predisposing syndrome. Also called: Hereditary Cancer Syndrome; Hereditary neoplastic syndrome; Tumor predisposition; Neoplastic Syndromes, Hereditary. Identifiers: Orphanet 140162, MedGen C0027672, MeSH D009386, MONDO:0015356.
Retinoblastoma (RB1). Also called: RETINOBLASTOMA, SOMATIC. Identifiers: Orphanet 790, MedGen C0035335, MeSH D012175, MONDO:0008380, OMIM 180200, HP:0009919. Disease mechanism: loss of function. Inheritance: Both sporadic and heritable forms are tested..

Submissions (3):

Ambry Genetics
Classification: Uncertain significance for Hereditary cancer-predisposing syndrome. Last evaluated: 2025-10-28. Review status: criteria provided, single submitter. Criteria: Ambry Variant Classification Scheme 2023. Collection method: clinical testing. Allele origin: germline.
Comment: The p.P776A variant (also known as c.2326C>G) is located in coding exon 23 of the RB1 gene. The proline at codon 776 is replaced by alanine, an amino acid with highly similar properties. This change occurs in the first base pair of coding exon 23. This amino acid position is highly conserved in available vertebrate species. In addition, the in silico prediction for this alteration is inconclusive. Since supporting evidence is limited at this time, the clinical significance of this alteration remains unclear.

Color Diagnostics, LLC DBA Color Health
Classification: Uncertain significance for Retinoblastoma. Last evaluated: 2025-08-10. Review status: criteria provided, single submitter. Criteria: ACMG Guidelines, 2015. Collection method: clinical testing. Allele origin: germline.
Comment: This missense variant replaces proline with alanine at codon 776 of the RB1 protein. Computational prediction suggests that this variant may not impact protein structure and function. To our knowledge, functional studies have not been reported for this variant. This variant has not been reported in individuals affected with RB1-related disorders in the literature. This variant has not been identified in the general population by the Genome Aggregation Database (gnomAD). The available evidence is insufficient to determine the role of this variant in disease conclusively. Therefore, this variant is classified as a Variant of Uncertain Significance.

Labcorp Genetics (formerly Invitae), Labcorp
Classification: Uncertain significance for Retinoblastoma. Last evaluated: 2022-11-25. Review status: criteria provided, single submitter. Criteria: Invitae Variant Classification Sherloc (09022015). Collection method: clinical testing. Allele origin: germline.
Comment: Algorithms developed to predict the effect of missense changes on protein structure and function (SIFT, PolyPhen-2, Align-GVGD) all suggest that this variant is likely to be disruptive. In summary, the available evidence is currently insufficient to determine the role of this variant in disease. Therefore, it has been classified as a Variant of Uncertain Significance. This variant has not been reported in the literature in individuals affected with RB1-related conditions. This sequence change replaces proline, which is neutral and non-polar, with alanine, which is neutral and non-polar, at codon 776 of the RB1 protein (p.Pro776Ala). This variant is not present in population databases (gnomAD no frequency).

NM_000321.3(RB1):c.2326C>G (p.Pro776Ala)

Gene: RB1 (RB transcriptional corepressor 1; plus strand). Cytogenetic location: 13q14.2.
Variant type: single nucleotide variant.
Coding change: c.2326C>G on transcript NM_000321.3 (MANE Select); coding-DNA position 2326, C replaced by G.
Protein change: p.Pro776Ala; replaces proline 776 with alanine.
Molecular consequence: missense variant.
Genome position (GRCh38, 1-based): chr13:48,465,205, C>G. VCF-style: chr13-48465205-C-G. GRCh37 (hg19) VCF-style: chr13-49039341-C-G.
Other names: c.2326C>G, p.Pro776Ala (NM_001407165.1); short protein forms P776A.
Identifiers: ClinVar variation 1789652 (VCV001789652.7), dbSNP rs2138345448, ClinGen allele CA388167751.